The following is an entry in ClinVar:

ClinVar aggregate classification (germline): Pathogenic. Review status: reviewed by expert panel (3 of 4 stars). 11 submissions from 11 submitters: Pathogenic (1). 10 of the submissions do not count toward it. Last evaluated 2024-08-07.

Conditions:
MTM1-related disorder. Also called: MTM1-related condition.
Centronuclear myopathy (CNM). Also called: Centronuclear myopathy, congenital; Myotubular myopathy. Identifiers: Orphanet 595, MedGen C0175709, MONDO:0018947. Inheritance: All.
Severe X-linked myotubular myopathy (CNMX). Also called: X-linked centronuclear myopathy; Myotubular myopathy, X-linked; MYOTUBULAR MYOPATHY 1. Identifiers: Orphanet 596, MedGen C0410203, MONDO:0010683, OMIM 310400.

Submissions (11):

ClinGen Congenital Myopathies Variant Curation Expert Panel, ClinGen
Classification: Pathogenic for Centronuclear myopathy. Last evaluated: 2024-08-07. Review status: reviewed by expert panel. Criteria: ClinGen CongenMyopathy ACMG Specifications MTM1 V1.0.0. Collection method: curation. Allele origin: germline. Inheritance: X-linked inheritance.
Comment: The c.141_144del (p.Glu48LeufsTer24) variant in MTM1 is a deletion variant predicted to cause a premature stop codon in biologically-relevant-exon 4/15 leading to nonsense mediated decay in a gene in which loss-of-function is an established disease mechanism (PVS1). This variant is absent from gnomAD v4.1.0 (PM2_Supporting). At least one patient with this variant displayed a muscle biopsy consistent with centronuclear myopathy (PMID:33164942) (PP4). In summary, this variant meets the criteria to be classified as pathogenic for X-linked centronuclear myopathy based on the ACMG/AMP criteria applied, as specified by the ClinGen Congenital Myopathies VCEP: PVS1, PS4, PM6, PM2_Supporting, PP1, PP4. (ClinGen Congenital Myopathies VCEP specifications version 1; 8/7/2024)

Labcorp Genetics (formerly Invitae), Labcorp
Classification: Pathogenic for Severe X-linked myotubular myopathy. Last evaluated: 2025-12-16. Review status: criteria provided, single submitter. Criteria: Invitae Variant Classification Sherloc (09022015). Collection method: clinical testing. Allele origin: germline. Not counted in ClinVar's aggregate classification.
Comment: This sequence change creates a premature translational stop signal (p.Glu48Leufs*24) in the MTM1 gene. It is expected to result in an absent or disrupted protein product. Loss-of-function variants in MTM1 are known to be pathogenic (PMID: 9305655, 10063835). This variant is not present in population databases (gnomAD no frequency). This premature translational stop signal has been observed in individuals with clinical features of MTM1-related conditions (PMID: 9285787, 30241883). This variant is also known as del193_196AAAG. ClinVar contains an entry for this variant (Variation ID: 11057). Algorithms developed to predict the effect of sequence changes on RNA splicing suggest that this variant may disrupt the consensus splice site. For these reasons, this variant has been classified as Pathogenic.

CeGaT Center for Human Genetics Tuebingen
Classification: Pathogenic. Last evaluated: 2025-06-01. Review status: criteria provided, single submitter. Criteria: CeGaT Center For Human Genetics Tuebingen Variant Classification Criteria Version 2. Collection method: clinical testing. Allele origin: germline. Affected: yes. Observed: 1 variant allele. Not counted in ClinVar's aggregate classification.
Comment: MTM1: PVS1, PS4, PM2, PM6:Supporting

PreventionGenetics, part of Exact Sciences
Classification: Pathogenic for MTM1-related condition. Last evaluated: 2025-02-03. Review status: criteria provided, single submitter. Criteria: ACMG Guidelines, 2015. Collection method: clinical testing. Allele origin: germline. Not counted in ClinVar's aggregate classification.
Comment: The MTM1 c.141_144delAGAA variant is predicted to result in a frameshift and premature protein termination (p.Glu48Leufs*24). This variant has been reported in many unrelated individuals with myotubular myopathy (de Gouyon et al. 1997. PubMed ID: 9285787; Reported as c.139_142delAAAG in Souza et al. 2020. PubMed ID: 33062893; Gangfuss et al. 2021. PubMed ID: 33164942; Supp. Table 1 in Yang et al. 2021. PubMed ID: 34671977). This variant has not been reported in a large population database (gnomAD), indicating this variant is rare. Frameshift variants in MTM1 are expected to be pathogenic. This variant is interpreted as pathogenic.

GeneDx
Classification: Pathogenic. Last evaluated: 2022-05-31. Review status: criteria provided, single submitter. Criteria: GeneDx Variant Classification Process June 2021. Collection method: clinical testing. Allele origin: germline. Affected: yes. Not counted in ClinVar's aggregate classification.
Comment: Frameshift variant predicted to result in protein truncation or nonsense mediated decay in a gene for which loss-of-function is a known mechanism of disease; Not observed at significant frequency in large population cohorts (gnomAD); This variant is associated with the following publications: (PMID: 33164942, 16583589, 23224362, 9305655, 10063835, 10502779, 9450905, 10790201, 33062893, 12522554, 24381816, 30241883, 9285787)

Women's Health and Genetics/Laboratory Corporation of America, LabCorp
Classification: Pathogenic for Severe X-linked myotubular myopathy. Last evaluated: 2022-05-26. Review status: criteria provided, single submitter. Criteria: LabCorp Variant Classification Summary - May 2015. Collection method: clinical testing. Allele origin: germline. Not counted in ClinVar's aggregate classification.
Comment: Variant summary: MTM1 c.141_144delAGAA (p.Glu48LeufsX24) results in a premature termination codon, predicted to cause a truncation of the encoded protein or absence of the protein due to nonsense mediated decay, which are commonly known mechanisms for disease. Truncations downstream of this position have been classified as pathogenic by our laboratory. The variant was absent in 180251 control chromosomes. c.141_144delAGAA has been reported in the literature in multiple individuals affected with Severe X-Linked Myotubular Myopathy. These data indicate that the variant is very likely to be associated with disease. Two clinical diagnostic laboratories have submitted clinical-significance assessments for this variant to ClinVar after 2014 without evidence for independent evaluation. Both laboratories classified the variant as pathogenic. Based on the evidence outlined above, the variant was classified as pathogenic.

Genetic Services Laboratory, University of Chicago
Classification: Pathogenic for Myotubular myopathy, X-linked. Last evaluated: 2013-02-08. Review status: criteria provided, single submitter. Criteria: ACMG Guidelines, 2007. Collection method: clinical testing. Allele origin: germline. Inheritance: X-linked inheritance. Affected: yes. Not counted in ClinVar's aggregate classification.

Neuberg Centre For Genomic Medicine, NCGM
Classification: Pathogenic for Severe X-linked myotubular myopathy. Review status: criteria provided, single submitter. Criteria: ACMG Guidelines, 2015. Collection method: clinical testing. Allele origin: germline. Inheritance: X-linked inheritance. Affected: yes. Not counted in ClinVar's aggregate classification.
Comment: The frame shift c.141_144del (p.Glu48LeufsTer24) variant in MTM1 gene has been reported previously in individual(s) with clinical features of MTM1-related conditions (García-García, et al.,2018). The variant is novel (not in any individuals) in gnomAD Exomes and in 1000 Genomes. This variant has been reported to the ClinVar database as Pathogenic. This variant causes a frameshift starting with codon Glutamic Acid 48, changes this amino acid to Leucine residue, and creates a premature Stop codon at position 24 of the new reading frame, denoted p.Glu48LeufsTer24. This variant is predicted to cause loss of normal protein function through protein truncation. Loss-of-function variants in MTM1 are known to be pathogenic and also have been previously reported to be disease causing (Tanner et al,1999). For these reasons, this variant has been classified as Pathogenic.

Rady Children's Institute for Genomic Medicine, Rady Children's Hospital San Diego
Classification: Pathogenic for MTM1-related disorder. Review status: criteria provided, single submitter. Criteria: ACMG Guidelines, 2015. Collection method: clinical testing. Allele origin: germline. Affected: yes. Not counted in ClinVar's aggregate classification.
Comment: This frameshifting variant in exon 4 of 15 introduces a premature stop codon and is therefore predicted to result in loss of normal protein function through either protein truncation or nonsense-mediated mRNA decay (NMD). This variant has been previously reported as a hemizygous change in patients with X-linked myotubular myopathy (MIM: # 310400; PMID: 9285787, 9285787). It is absent from the gnomAD population database and thus is presumed to be rare. Based on the available evidence, the c.141_144del (p.Glu48LeufsTer24) variant is classified as Pathogenic.

Natera, Inc.
Classification: Pathogenic for Severe X-linked myotubular myopathy. Last evaluated: 2021-10-06. Review status: no assertion criteria provided. Collection method: clinical testing. Allele origin: germline. Not counted in ClinVar's aggregate classification.

OMIM
Classification: Pathogenic for MYOTUBULAR MYOPATHY, X-LINKED. Last evaluated: 1998-01-01. Review status: no assertion criteria provided. Collection method: literature only. Allele origin: germline. Not counted in ClinVar's aggregate classification.

Literature cited by the submitters: PubMed 9305655 (cited by Labcorp Genetics (formerly Invitae), Labcorp and Women's Health and Genetics/Laboratory Corporation of America, LabCorp); PubMed 10063835 (cited by Labcorp Genetics (formerly Invitae), Labcorp); PubMed 9285787 (cited by Labcorp Genetics (formerly Invitae), Labcorp); PubMed 30241883 (cited by Labcorp Genetics (formerly Invitae), Labcorp); PubMed 9450905 (cited by OMIM).

NM_000252.3(MTM1):c.141_144del

Gene: MTM1 (myotubularin 1; plus strand). Cytogenetic location: Xq28.
Variant type: Deletion.
Coding change: c.141_144del on transcript NM_000252.3 (MANE Select); coding-DNA positions 141 to 144, 4 bases deleted (AGAA; older notation c.141_144delAGAA).
Genome position (GRCh38, 1-based): chrX:150,598,596-150,598,599, AGAA deleted; deleting any 4 consecutive bases within chrX:150,598,594-150,598,599 gives the same sequence; the c. name uses the placement nearest the transcript's 3' end. VCF-style (leftmost placement, unchanged base first): chrX-150598593-CAAAG-C. GRCh37 (hg19) VCF-style: chrX-149767057-CAAAG-C.
Other names: c.141_144delAGAA (NM_000252.2); c.141_144del, p.Glu48fs (LRG_839t1).
Identifiers: ClinVar variation 11057 (VCV000011057.32), dbSNP rs587783791, ClinGen allele CA255668.